The following is an entry in ClinVar:

ClinVar aggregate classification (germline): Pathogenic/Likely pathogenic. Review status: criteria provided, multiple submitters, no conflicts (2 of 4 stars). 3 submissions from 3 submitters: Pathogenic (1); Likely pathogenic (1). 1 of the submissions does not count toward it. Last evaluated 2020-12-22.

Conditions:
SLC26A4-related disorder. Also called: SLC26A4-related condition; SLC26A4-related disorders.
Pendred syndrome (PDS). Also called: Pendred's syndrome; THYROID DYSHORMONOGENESIS 2B; THYROID HORMONOGENESIS, GENETIC DEFECT IN, 2B; Pendred Syndrome (PDS); DEAFNESS WITH GOITER; GOITER-DEAFNESS SYNDROME. Identifiers: Orphanet 705, MedGen C0271829, MONDO:0010134, OMIM 274600.

Submissions (3):

Labcorp Genetics (formerly Invitae), Labcorp
Classification: Pathogenic. Last evaluated: 2020-12-22. Review status: criteria provided, single submitter. Criteria: Invitae Variant Classification Sherloc (09022015). Collection method: clinical testing. Allele origin: germline.
Comment: This variant is not present in population databases (ExAC no frequency). This sequence change creates a premature translational stop signal (p.Gln383Argfs*49) in the SLC26A4 gene. It is expected to result in an absent or disrupted protein product. Loss-of-function variants in SLC26A4 are known to be pathogenic (PMID: 16283880, 25394566, 26252218, 26445815). This variant has been observed in individual(s) with Pendred syndrome (PMID: 9618166). ClinVar contains an entry for this variant (Variation ID: 553520). For these reasons, this variant has been classified as Pathogenic.

Blueprint Genetics
Classification: Likely pathogenic for SLC26A4-related disorders. Last evaluated: 2019-10-29. Review status: criteria provided, single submitter. Criteria: ACMG Guidelines, 2015. Collection method: clinical testing. Allele origin: germline. Affected: yes. Observed: 1 variant allele.

Counsyl
Classification: Pathogenic for Pendred syndrome. Last evaluated: 2017-08-22. Review status: no assertion criteria provided. Collection method: clinical testing. Allele origin: unknown. Not counted in ClinVar's aggregate classification.

Literature cited by the submitters: PubMed 16283880 (cited by Labcorp Genetics (formerly Invitae), Labcorp); PubMed 25394566 (cited by Labcorp Genetics (formerly Invitae), Labcorp); PubMed 26252218 (cited by Labcorp Genetics (formerly Invitae), Labcorp); PubMed 26445815 (cited by Labcorp Genetics (formerly Invitae), Labcorp); PubMed 9618166 (cited by Labcorp Genetics (formerly Invitae), Labcorp and Counsyl); PubMed 16950989 (cited by Counsyl).

NM_000441.2(SLC26A4):c.1147del (p.Gln383fs)

Gene: SLC26A4 (solute carrier family 26 member 4; plus strand). Cytogenetic location: 7q22.3.
Variant type: Deletion.
Coding change: c.1147del on transcript NM_000441.2 (MANE Select); coding-DNA position 1147, one base deleted (C; older notation c.1147delC).
Protein change: p.Gln383fs; shifts the reading frame from glutamine 383.
Molecular consequence: frameshift variant.
Genome position (GRCh38, 1-based): chr7:107,689,198, C deleted; the last of 2 consecutive C bases (chr7:107,689,197-107,689,198); deleting either gives the same sequence. VCF-style (leftmost placement, unchanged base first): chr7-107689196-AC-A. GRCh37 (hg19) VCF-style: chr7-107329641-AC-A.
Other names: short protein forms Q383fs.
Identifiers: ClinVar variation 553520 (VCV000553520.10), dbSNP rs1374999656, ClinGen allele CA658821804.